The following is an entry in ClinVar:

NM_138713.4(NFAT5):c.2984C>T (p.Pro995Leu)

Gene: NFAT5 (nuclear factor of activated T cells 5; plus strand). Cytogenetic location: 16q22.1.
Variant type: single nucleotide variant.
Coding change: c.2984C>T on transcript NM_138713.4 (MANE Select); coding-DNA position 2984, C replaced by T.
Protein change: p.Pro995Leu; replaces proline 995 with leucine.
Molecular consequence: missense variant.
Genome position (GRCh38, 1-based): chr16:69,692,809, C>T. VCF-style: chr16-69692809-C-T. GRCh37 (hg19) VCF-style: chr16-69726712-C-T.
Other names: c.2981C>T, p.Pro994Leu (NM_001113178.3); c.2309C>T, p.Pro770Leu (NM_001367709.1); c.2930C>T, p.Pro977Leu (NM_006599.4); c.2702C>T, p.Pro901Leu (NM_138714.4, NM_173214.3, NM_173215.3); short protein forms P770L, P901L, P977L, P994L, P995L.
Identifiers: ClinVar variation 3613233 (VCV003613233.2).
Genomic context (GRCh38, chr16:69,692,809, plus strand): 5'-CTCCTCCTGCAGTTTCTGGAAATGAAACTTCTACAACTACCACACAGCAGGTTGCAACCC[C>T]TGGCACTACCATGTTTCAGACATCAAGTTCAGGAGATGGAGAAGAAACTGGAACACAAGC-3'
Protein context (NP_619727.2, residues 985-1005): STTTTQQVAT[Pro995Leu]GTTMFQTSSS

ClinVar aggregate classification (germline): Uncertain significance (1 of 4 stars; one submission).

Conditions:
Immunodeficiency. Identifiers: MedGen C0021051, MONDO:0021094, HP:0002721.

gnomAD v4.1: 7 of 1,614,226 alleles (0.00043%); highest among the groups gnomAD compares: Non-Finnish European, 0.00051%; no homozygotes.

Submission:

Labcorp Genetics (formerly Invitae), Labcorp
Classification: Uncertain significance for Immunodeficiency. Last evaluated: 2024-03-21. Review status: criteria provided, single submitter. Criteria: Invitae Variant Classification Sherloc (09022015). Collection method: clinical testing. Allele origin: germline.
Comment: This sequence change replaces proline, which is neutral and non-polar, with leucine, which is neutral and non-polar, at codon 901 of the NFAT5 protein (p.Pro901Leu). This variant is not present in population databases (gnomAD no frequency). This variant has not been reported in the literature in individuals affected with NFAT5-related conditions. An algorithm developed to predict the effect of missense changes on protein structure and function (PolyPhen-2) suggests that this variant is likely to be tolerated. In summary, the available evidence is currently insufficient to determine the role of this variant in disease. Therefore, it has been classified as a Variant of Uncertain Significance.